The following is an entry in ClinVar:

NM_015602.4(TOR1AIP1):c.826_827delinsTG (p.Pro276Cys)

Gene: TOR1AIP1 (torsin 1A interacting protein 1; plus strand). Cytogenetic location: 1q25.2.
Variant type: Indel.
Coding change: c.826_827delinsTG on transcript NM_015602.4 (MANE Select); coding-DNA positions 826 to 827, CC replaced by TG.
Protein change: p.Pro276Cys; replaces proline 276 with cysteine.
Molecular consequence: missense variant.
Genome position (GRCh38, 1-based): chr1:179,907,852-179,907,853, CC replaced by TG. VCF-style: chr1-179907852-CC-TG. GRCh37 (hg19) VCF-style: chr1-179876987-CC-TG.
Other names: c.829_830delinsTG, p.Pro277Cys (NM_001267578.2); short protein forms P277C, P276C.
Identifiers: ClinVar variation 1411133 (VCV001411133.5), dbSNP rs2148480005, ClinGen allele CA2573131280.
Genomic context (GRCh38, chr1:179,907,852, plus strand): 5'-TCTATGACCTTATCCCTGTTTTCTGTTTCAGGTCAAAACTTCACAGCTCATGATAAGCAA[CC>TG]TTCAGTGCTAAGTAAGTAGTTGGTTGTCTGCTCTTTTTTCAGCCAATCAATTCTTTTCTC-3'
Protein context (NP_056417.2, residues 266-286): SQNFTAHDKQ[Pro276Cys]SVLSSGYQKT

ClinVar aggregate classification (germline): Uncertain significance (1 of 4 stars; one submission).

Conditions:
Autosomal recessive limb-girdle muscular dystrophy type 2Y (MRRSDC). Also called: Muscular dystrophy, limb-girdle, type 2y; Muscular dystrophy, autosomal recessive, with rigid spine and distal joint contractures. Identifiers: Orphanet 424261, MedGen C4511482, MONDO:0014900, OMIM 617072.

Submission:

Labcorp Genetics (formerly Invitae), Labcorp
Classification: Uncertain significance for Autosomal recessive limb-girdle muscular dystrophy type 2Y. Last evaluated: 2022-08-06. Review status: criteria provided, single submitter. Criteria: Invitae Variant Classification Sherloc (09022015). Collection method: clinical testing. Allele origin: germline.
Comment: In summary, the available evidence is currently insufficient to determine the role of this variant in disease. Therefore, it has been classified as a Variant of Uncertain Significance. Algorithms developed to predict the effect of missense changes on protein structure and function are either unavailable or do not agree on the potential impact of this missense change (SIFT: "Not Available"; PolyPhen-2: "Possibly Damaging"; Align-GVGD: "Not Available"). ClinVar contains an entry for this variant (Variation ID: 1411133). This variant has not been reported in the literature in individuals affected with TOR1AIP1-related conditions. This variant is present in population databases (no rsID available, gnomAD 0.3%). This variant, c.829_830delinsTG, is a complex sequence change that results in the deletion of 1 and insertion of 1 amino acid(s) in the TOR1AIP1 protein (p.Pro277Cys).